The following is an entry in ClinVar:

NM_052846.2(EMILIN3):c.1629G>A (p.Arg543=)

Gene: EMILIN3 (elastin microfibril interfacer 3; minus strand). Cytogenetic location: 20q12.
Variant type: single nucleotide variant.
Coding change: c.1629G>A on transcript NM_052846.2 (MANE Select); coding-DNA position 1629, G replaced by A.
Protein change: p.Arg543=; no amino-acid change (arginine 543 retained).
Molecular consequence: synonymous variant.
Genome position (GRCh38, 1-based): chr20:41,361,940, C>T on the plus strand (G>A on the coding strand, the complement: EMILIN3 is on the minus strand). VCF-style: chr20-41361940-C-T. GRCh37 (hg19) VCF-style: chr20-39990580-C-T.
Identifiers: ClinVar variation 2652332 (VCV002652332.24), dbSNP rs151073469, ClinGen allele CA9861261.
Genomic context (GRCh38, chr20:41,361,940, plus strand): 5'-GCCATTGAGCTGCTGGAGCAGTGCTGCGTGGCTGGCCACCTGGCGTAGGAGGGCCTCGCT[C>T]CGGCTCTGCCAGGCCTTCACCTCTGCCACGAGGCTGTCCAGGATGGCTGAGGTGGTGCTC-3'
Protein context (NP_443078.1, residues 533-553): LVAEVKAWQS[Arg543=]SEALLRQVAS

ClinVar aggregate classification (germline): Likely benign (1 of 4 stars; one submission).

Allele frequency attached by ClinVar (database versions not stated): ESP Exome Variant Server 0.00231; ExAC 0.00266.
gnomAD v4.1: 4,417 of 1,612,778 alleles (0.27%); highest among the groups gnomAD compares: Middle Eastern, 0.33%; 15 homozygotes.

Submission:

CeGaT Center for Human Genetics Tuebingen
Classification: Likely benign. Last evaluated: 2023-02-01. Review status: criteria provided, single submitter. Criteria: CeGaT Center For Human Genetics Tuebingen Variant Classification Criteria Version 2. Collection method: clinical testing. Allele origin: germline. Affected: yes. Observed: 1 variant allele.
Comment: EMILIN3: BP4, BP7, BS2